The following is an entry in ClinVar:

NM_015662.3(IFT172):c.2989G>A (p.Val997Ile)

Gene: IFT172 (intraflagellar transport 172; minus strand). Cytogenetic location: 2p23.3.
Variant type: single nucleotide variant.
Coding change: c.2989G>A on transcript NM_015662.3 (MANE Select); coding-DNA position 2989, G replaced by A.
Protein change: p.Val997Ile; replaces valine 997 with isoleucine.
Molecular consequence: missense variant.
Genome position (GRCh38, 1-based): chr2:27,457,963, C>T on the plus strand (G>A on the coding strand, the complement: IFT172 is on the minus strand). VCF-style: chr2-27457963-C-T. GRCh37 (hg19) VCF-style: chr2-27680830-C-T.
Other names: c.2923G>A, p.Val975Ile (NM_001410739.1); short protein forms V997I, V975I.
Identifiers: ClinVar variation 1977313 (VCV001977313.4), dbSNP rs1181361766, ClinGen allele CA346380875.
Genomic context (GRCh38, chr2:27,457,963, plus strand): 5'-TCATGTCATCATACAACTTGTGCTTTTTGTACATGGTGATGGCAAGATCAGGCTCTTGTA[C>T]TGTCACATATAGCCTGGGGAAGGAGATACATCTGGGGCCTCCTAGACCCGACCCCTGCTA-3'
Protein context (NP_056477.1, residues 987-1007): YREAERLYVT[Val997Ile]QEPDLAITMY

ClinVar aggregate classification (germline): Uncertain significance. Review status: criteria provided, multiple submitters, no conflicts (2 of 4 stars). 2 submissions from 2 submitters: Uncertain significance (2). Last evaluated 2024-03-09.

Conditions:
Retinitis pigmentosa 71 (RP71). Identifiers: Orphanet 791, MedGen C4225342, MONDO:0014618, OMIM 616394.
Bardet-Biedl syndrome 20. Identifiers: MedGen C4310707, MONDO:0023670, OMIM 619471, MONDO:0014926.
Short-rib thoracic dysplasia 10 with or without polydactyly (SRTD10). Identifiers: Orphanet 474, MedGen C3810175, MONDO:0014284, OMIM 615630.

Allele frequency attached by ClinVar (database versions not stated): gnomAD exomes below 0.00001; TOPMed below 0.00001.
gnomAD v4.1: 2 of 1,614,172 alleles (0.00012%); highest among the groups gnomAD compares: African/African-American, 0.0013%; no homozygotes.

Submissions (2):

Fulgent Genetics
Classification: Uncertain significance for Short-rib thoracic dysplasia 10 with or without polydactyly; Retinitis pigmentosa 71; Bardet-Biedl syndrome 20. Last evaluated: 2024-03-09. Review status: criteria provided, single submitter. Criteria: ACMG Guidelines, 2015. Collection method: clinical testing. Allele origin: germline.

Labcorp Genetics (formerly Invitae), Labcorp
Classification: Uncertain significance for Retinitis pigmentosa 71; Short-rib thoracic dysplasia 10 with or without polydactyly. Last evaluated: 2024-01-22. Review status: criteria provided, single submitter. Criteria: Invitae Variant Classification Sherloc (09022015). Collection method: clinical testing. Allele origin: germline.
Comment: This sequence change replaces valine, which is neutral and non-polar, with isoleucine, which is neutral and non-polar, at codon 997 of the IFT172 protein (p.Val997Ile). This variant is not present in population databases (gnomAD no frequency). This variant has not been reported in the literature in individuals affected with IFT172-related conditions. ClinVar contains an entry for this variant (Variation ID: 1977313). Advanced modeling of protein sequence and biophysical properties (such as structural, functional, and spatial information, amino acid conservation, physicochemical variation, residue mobility, and thermodynamic stability) performed at Invitae indicates that this missense variant is not expected to disrupt IFT172 protein function with a negative predictive value of 80%. In summary, the available evidence is currently insufficient to determine the role of this variant in disease. Therefore, it has been classified as a Variant of Uncertain Significance.